The following is an entry in ClinVar:

ClinVar aggregate classification (germline): Pathogenic/Likely pathogenic. Review status: criteria provided, multiple submitters, no conflicts (2 of 4 stars). 2 submissions from 2 submitters: Pathogenic (1); Likely pathogenic (1). Last evaluated 2022-09-23.

Conditions:
Autism spectrum disorder. Also called: Autism spectrum disorders. Identifiers: MedGen C1510586, MeSH D000067877, MONDO:0005258.
Tatton-Brown-Rahman overgrowth syndrome. Also called: Tatton-Brown-Rahman syndrome; Tall stature-intellectual disability-facial dysmorphism syndrome. Identifiers: Orphanet 404443, MedGen C4014545, MONDO:0014382, OMIM 615879.
Neonatal hypotonia. Identifiers: MedGen C2267233, HP:0001319.

Submissions (2):

GeneDx
Classification: Pathogenic. Last evaluated: 2022-09-23. Review status: criteria provided, single submitter. Criteria: GeneDx Variant Classification Process June 2021. Collection method: clinical testing. Allele origin: germline. Affected: yes.
Comment: Not observed at significant frequency in large population cohorts (gnomAD); In silico analysis supports that this missense variant does not alter protein structure/function; Has not been previously published as pathogenic or benign to our knowledge

Cytogénomique, Hospices Civils de Lyon
Classification: Likely pathogenic for Neonatal hypotonia. Last evaluated: 2021-05-05. Review status: criteria provided, single submitter. Criteria: ACMG Guidelines, 2015. Collection method: clinical testing. Allele origin: de novo. Inheritance: Sporadic. Affected: yes. Observed: 1 variant allele, 1 heterozygote.
Comment: First observation of this missense variant. De novo occurence. Absent from gnomad. Predicted deleterious.

NM_022552.5(DNMT3A):c.1004A>G (p.Lys335Arg)

Gene: DNMT3A (DNA methyltransferase 3 alpha; minus strand). Cytogenetic location: 2p23.3.
Variant type: single nucleotide variant.
Coding change: c.1004A>G on transcript NM_022552.5 (MANE Select); coding-DNA position 1004, A replaced by G.
Protein change: p.Lys335Arg; replaces lysine 335 with arginine.
Molecular consequence: missense variant. On other transcripts: non-coding transcript variant (1).
Genome position (GRCh38, 1-based): chr2:25,247,601, T>C on the plus strand (A>G on the coding strand, the complement: DNMT3A is on the minus strand). VCF-style: chr2-25247601-T-C. GRCh37 (hg19) VCF-style: chr2-25470470-T-C.
Other names: c.548A>G, p.Lys183Arg (NM_001320893.1); c.335A>G, p.Lys112Arg (NM_001375819.1); c.437A>G, p.Lys146Arg (NM_153759.3); c.1004A>G, p.Lys335Arg (NM_175629.2); short protein forms K112R, K146R, K183R, K335R.
Identifiers: ClinVar variation 1065568 (VCV001065568.6), dbSNP rs2149307214, ClinGen allele CA346074500.
Genomic context (GRCh38, chr2:25,247,601, plus strand): 5'-GATCAAGAACCTTCCCCCACCCCAGGCTACTGCCAAACCCCACAACTTACCACTGAGAAT[T>C]TGCCGTCTCCGAACCACATGACCCAGCGGGTGCCTTCAGCTGCTCGGCTCCGGCCCGTCA-3'
Protein context (NP_072046.2, residues 325-345): TRWVMWFGDG[Lys335Arg]FSVVCVEKLM